The following is an entry in ClinVar:

NM_000203.5(IDUA):c.1598C>G (p.Pro533Arg)

Gene: IDUA (alpha-L-iduronidase; plus strand). Cytogenetic location: 4p16.3.
Variant type: single nucleotide variant.
Coding change: c.1598C>G on transcript NM_000203.5 (MANE Select); coding-DNA position 1598, C replaced by G.
Protein change: p.Pro533Arg; replaces proline 533 with arginine.
Molecular consequence: missense variant. On other transcripts: non-coding transcript variant (1).
Genome position (GRCh38, 1-based): chr4:1,003,418, C>G. VCF-style: chr4-1003418-C-G. GRCh37 (hg19) VCF-style: chr4-997206-C-G.
Other names: NM_000203.5(IDUA):c.1598C>G; c.1202C>G, p.Pro401Arg (NM_001363576.1); short protein forms P533R, P401R.
Identifiers: ClinVar variation 11910 (VCV000011910.53), dbSNP rs121965021, ClinGen allele CA256112.
Genomic context (GRCh38, chr4:1,003,418, plus strand): 5'-CGGCGCCCCGCCCCTTACCCGCCGGCGGCCGCCTGACCCTGCGCCCCGCGCTGCGGCTGC[C>G]GTCGCTTTTGCTGGTGCACGTGTGTGCGCGCCCCGAGAAGCCGCCCGGGCAGGCAAGTGG-3'
Protein context (NP_000194.2, residues 523-543): RLTLRPALRL[Pro533Arg]SLLLVHVCAR

ClinVar aggregate classification (germline): Pathogenic. Review status: reviewed by expert panel (3 of 4 stars). 21 submissions from 21 submitters: Pathogenic (1). 20 of the submissions do not count toward it. Last evaluated 2025-01-03.

Conditions:
IDUA-related disorders.
IDUA-related disorder. Also called: IDUA-related condition.
Inborn genetic diseases. Identifiers: MedGen C0950123, MeSH D030342.
Mucopolysaccharidosis type 1. Also called: Mucopolysaccharidosis Type I; IDUA deficiency; MPS I. Identifiers: Orphanet 579, MedGen C0023786, MONDO:0001586.
Mucopolysaccharidosis, MPS-I-S. Also called: MUCOPOLYSACCHARIDOSIS TYPE IS; Scheie Syndrome; MPS V; MUCOPOLYSACCHARIDOSIS TYPE V. Identifiers: Orphanet 93474, MedGen C0026708, MONDO:0011760, OMIM 607016.
Hurler syndrome. Also called: MUCOPOLYSACCHARIDOSIS TYPE IH; Gargoylism, Hurler Syndrome; Severe MPS I (Hurler Syndrome). Identifiers: Orphanet 93473, MedGen C0086795, MONDO:0011758, OMIM 607014.
Mucopolysaccharidosis, MPS-I-H/S. Also called: Mucopolysaccharidosis type IH/S. Identifiers: Orphanet 93476, MedGen C0086431, MONDO:0011759, OMIM 607015.

Allele frequency attached by ClinVar (database versions not stated): ExAC below 0.00001; gnomAD 0.00003; TOPMed 0.00005; gnomAD exomes 0.00006.
gnomAD v4.1: 45 of 1,529,076 alleles (0.0029%); highest among the groups gnomAD compares: Admixed American, 0.02%; no homozygotes.

Submissions 1 to 7 of 21:

ClinGen Lysosomal Storage Disorder Variant Curation Expert Panel
Classification: Pathogenic for Mucopolysaccharidosis type 1. Last evaluated: 2025-01-03. Review status: reviewed by expert panel. Criteria: ClinGen LSD ACMG Specifications IDUA V1.0.0. Collection method: curation. Allele origin: germline. Inheritance: Autosomal recessive inheritance.
Comment: The NM_000203.5:c.1598C>G variant in IDUA is a missense variant that is predicted to result in the substitution of proline by arginine at amino acid 533 (p.Pro533Arg). This variant is one of the more common variants identified in patients with mucopolysaccharidosis type 1 (MPS 1). The variant was found in 46 out of 538 patients in the International MPS 1 Registry (PMID: 31194252). It has been identified in patients with MPS 1 from different continents, and it is the most frequent variant in the north African countries (92% of MPS1 alleles in Morocco, 81% in Algeria, and 54% in Tunisia) (reviewed in PMID: 29393969). Of note, the severity of symptoms in individuals with this variant is variable; some homozygous individuals have severe disease while others have attenuated symptoms (PMID: 31194252). At least 50 patients with this variant have been reported including patients with documented laboratory values showing deficient iduronidase activity and detailed features consistent with MPS 1 such as dysmorphic facies, multiple dysostoses, joint stiffness, hepatomegaly, umbilical hernia, hearing loss, cardiovascular disease, and hydrocephalus and/or elevated urine GAGs (2 PP4 criteria met) (PMID: 10738517, 12796790, 1301941). One study provides details on the clinical features, IDUA activity, and GAG values for 9 patients (3 PP4 criteria met, PMID: 27196898) (PP4_Moderate). At least 24 individuals are homozygous for the variant (PMID: 1301941, 10738517, 12203999, 16435195, 24102521, 27196898, 28752568, 31194252, 31298590). At least 12 individuals are compound heterozygous for the variant and another variant in IDUA that has been classified as pathogenic by the ClinGen Lysosomal Diseases VCEP, including at least 8 patients with c.1205G>A (p.Trp402Ter) (ClinVar Variation ID: 11908) (max 2 x 0.5 points), two patients with c.208C>T (p.Gln70Ter) (PMID: 31194252) (ClinVar Variation ID: 11909) (2 x 0.5 points), two apparently unrelated patients with c.1743C>G (p.Tyr581Ter) (ClinVar Variation ID: 550883) (2 x 0.5 points), and at least 24 homozygotes (max 2 x 0.5 points) (PMID: 31194252). 4 PM3 points (PM3_VeryStrong). Many additional individuals have been reported who are compound heterozygous for additional IDUA variants (PMID: 12203999, 12559846, 31194252). Additional evidence is available in the literature but the maximum points for PM3 have been reached (PM3_Very Strong). The variant has been shown to segregate with disease in families, including two families each with two affected children who are homozygous for the variant (PMID: 27196898) (PP1_Moderate). The highest population minor allele frequency in gnomAD v4.1.0. is 0.0001975 (10/50624 alleles) in the Admixed American population, which is lower than the ClinGen Lysosomal Diseases VCEP’s threshold for PM2_Supporting (<0.00025), meeting this criterion (PM2_Supporting). Expression of the variant in CHO cells and tobacco BY-2 cells revealed that the protein is unstable, abnormally processed/trafficked, and has very low, but detectable (<1%), residual activity when compared to wild type (PMID: 12559846, 24036510) (PS3_Supporting). The computational predictor REVEL gives a score of 0.783 which is above the threshold of 0.773, evidence that correlates with impact to IDUA function at the moderate level (PP3_Moderate). No impact on splicing predicted by SpliceAI. There is a ClinVar entry for this variant (Variant ID: 11910). In summary, this variant meets the criteria to be classified as pathogenic for MPS 1. IDUA-specific ACMG/AMP criteria met, as specified by the ClinGen Lysosomal Diseases VCEP: PM3_Very Strong, PP1_Moderate, PP3_Moderate, PP4_Moderate, PS3_Supporting, PM2_Supporting. (Classification approved by the ClinGen Lysosomal Diseases Variant Curation Expert Panel on January 3, 2025)

OLLIN Analises Genomicas, OLLIN
Classification: Pathogenic for Hurler syndrome. Last evaluated: 2026-02-13. Review status: criteria provided, single submitter. Criteria: ACMG Guidelines 2015 PMID 25741868. Collection method: clinical testing. Allele origin: germline. Observed: 3 variant alleles. Not counted in ClinVar's aggregate classification.
Comment: PS3_P, PM2_P, PM3_VS, PP1, PP3_M, PP4_M

Labcorp Genetics (formerly Invitae), Labcorp
Classification: Pathogenic for Mucopolysaccharidosis type 1. Last evaluated: 2026-01-20. Review status: criteria provided, single submitter. Criteria: Invitae Variant Classification Sherloc (09022015). Collection method: clinical testing. Allele origin: germline. Not counted in ClinVar's aggregate classification.
Comment: This sequence change replaces proline, which is neutral and non-polar, with arginine, which is basic and polar, at codon 533 of the IDUA protein (p.Pro533Arg). This variant is present in population databases (rs121965021, gnomAD 0.02%). This missense change has been observed in individuals with mucopolysaccharidosis (PMID: 1301941, 10911525, 16435195, 21521498, 23786846, 24368159). It has also been observed to segregate with disease in related individuals. ClinVar contains an entry for this variant (Variation ID: 11910). Invitae Evidence Modeling of protein sequence and biophysical properties (such as structural, functional, and spatial information, amino acid conservation, physicochemical variation, residue mobility, and thermodynamic stability) indicates that this missense variant is expected to disrupt IDUA protein function with a positive predictive value of 95%. Experimental studies have shown that this missense change affects IDUA function (PMID: 24036510). For these reasons, this variant has been classified as Pathogenic.

Natera, Inc.
Classification: Pathogenic for Mucopolysaccharidosis type I. Last evaluated: 2026-01-12. Review status: criteria provided, single submitter. Criteria: Natera Variant Classification Schema (03/2026). Collection method: clinical testing. Allele origin: germline. Not counted in ClinVar's aggregate classification.
Comment: The c.1598C>G variant in IDUA is a missense variant predicted to cause substitution of proline to arginine at amino acid 533. This variant is rare in the general population with a frequency below the threshold expected for the associated phenotype(s). This variant has been observed in one or more individuals affected with the associated recessive disease, as either homozygous or compound heterozygous with a second variant (PMID: 22074387, 28752568). Given the available evidence, this variant is classified as Pathogenic.

3billion
Classification: Likely pathogenic for Mucopolysaccharidosis, MPS-I-S. Last evaluated: 2025-07-21. Review status: criteria provided, single submitter. Criteria: ACMG Guidelines, 2015. Collection method: clinical testing. Allele origin: germline. Affected: yes. Not counted in ClinVar's aggregate classification.
Comment: The variant is observed at an extremely low frequency in the gnomAD v4.1.0 dataset (total allele frequency: 0.003%). Predicted Consequence/Location: Missense variant In silico tool predictions suggest damaging effect of the variant on gene or gene product [REVEL: 0.78 (>=0.6, sensitivity 0.68 and specificity 0.92); 3Cnet: 0.93 (> 0.75, sensitivity 0.96 and precision 0.92)]. The same nucleotide change resulting in the same amino acid change has been previously reported as pathogenic/likely pathogenic with strong evidence (ClinVar ID: VCV000011910 /PMID: 1301941). Different missense changes at the same codon (p.Pro533Gln, p.Pro533Leu, p.Pro533Ser, p.Pro533Thr) have been reported as pathogenic/likely pathogenic with strong evidence (ClinVar ID: VCV000429205, VCV001480630, VCV001970157, VCV002201882 /PMID: 9787109). Therefore, this variant is classified as Likely pathogenic according to the recommendation of ACMG/AMP guideline.

PreventionGenetics, part of Exact Sciences
Classification: Pathogenic for IDUA-related condition. Last evaluated: 2025-05-02. Review status: criteria provided, single submitter. Criteria: ACMG Guidelines, 2015. Collection method: clinical testing. Allele origin: germline. Not counted in ClinVar's aggregate classification.
Comment: The IDUA c.1598C>G variant is predicted to result in the amino acid substitution p.Pro533Arg. This variant has been reported to be pathogenic for mucopolysaccharidosis type I (MPS1; see for example Scott et al.1992. PubMed ID: 1301941 and Voskoboeva et al.1998. PubMed ID: 9787109). It was reported to account for 3% of MPS I alleles (Scott et al.1992. PubMed ID: 1301941). This variant is reported in 0.012% of alleles in individuals of Latino descent in gnomAD. This variant is interpreted as pathogenic.

Revvity Omics, Revvity
Classification: Pathogenic. Last evaluated: 2025-03-24. Review status: criteria provided, single submitter. Criteria: ACMG Guidelines, 2015. Collection method: clinical testing. Allele origin: germline. Not counted in ClinVar's aggregate classification.